The following is an entry in ClinVar:

ClinVar aggregate classification (germline): Uncertain significance (1 of 4 stars; one submission).

Allele frequency attached by ClinVar (database versions not stated): gnomAD exomes below 0.00001 and 0.00001; gnomAD 0.00001; TOPMed 0.00001.

Submission:

Labcorp Genetics (formerly Invitae), Labcorp
Classification: Uncertain significance. Last evaluated: 2022-08-16. Review status: criteria provided, single submitter. Criteria: Invitae Variant Classification Sherloc (09022015). Collection method: clinical testing. Allele origin: germline.
Comment: In summary, the available evidence is currently insufficient to determine the role of this variant in disease. Therefore, it has been classified as a Variant of Uncertain Significance. Algorithms developed to predict the effect of missense changes on protein structure and function are either unavailable or do not agree on the potential impact of this missense change (SIFT: "Tolerated"; PolyPhen-2: "Probably Damaging"; Align-GVGD: "Class C0"). ClinVar contains an entry for this variant (Variation ID: 1520930). This variant has not been reported in the literature in individuals affected with ADGRA3-related conditions. This variant is present in population databases (no rsID available, gnomAD 0.008%). This sequence change replaces proline, which is neutral and non-polar, with leucine, which is neutral and non-polar, at codon 238 of the ADGRA3 protein (p.Pro238Leu).

NM_145290.4(ADGRA3):c.713C>T (p.Pro238Leu)

Gene: ADGRA3 (adhesion G protein-coupled receptor A3; minus strand). Cytogenetic location: 4p15.2.
Variant type: single nucleotide variant.
Coding change: c.713C>T on transcript NM_145290.4 (MANE Select); coding-DNA position 713, C replaced by T.
Protein change: p.Pro238Leu; replaces proline 238 with leucine.
Molecular consequence: missense variant.
Genome position (GRCh38, 1-based): chr4:22,442,857, G>A on the plus strand (C>T on the coding strand, the complement: ADGRA3 is on the minus strand). VCF-style: chr4-22442857-G-A. GRCh37 (hg19) VCF-style: chr4-22444480-G-A.
Other names: short protein forms P238L.
Identifiers: ClinVar variation 1520930 (VCV001520930.8), dbSNP rs902854483, ClinGen allele CA93526367.